The following is an entry in ClinVar:

ClinVar aggregate classification (germline): Uncertain significance. Review status: criteria provided, multiple submitters, no conflicts (2 of 4 stars). 2 submissions from 2 submitters: Uncertain significance (2). Last evaluated 2020-10-05.

Conditions:
Hereditary cancer-predisposing syndrome. Also called: Hereditary neoplastic syndrome; Neoplastic Syndromes, Hereditary; Tumor predisposition; Hereditary Cancer Syndrome. Identifiers: Orphanet 140162, MedGen C0027672, MeSH D009386, MONDO:0015356.

Allele frequency attached by ClinVar (database versions not stated): gnomAD exomes below 0.00001; ExAC 0.00001.
gnomAD v4.1: 1 of 1,613,048 alleles (0.000062%); highest among the groups gnomAD compares: Non-Finnish European, 0.000085%; no homozygotes.

Submissions (2):

Labcorp Genetics (formerly Invitae), Labcorp
Classification: Uncertain significance. Last evaluated: 2020-10-05. Review status: criteria provided, single submitter. Criteria: Invitae Variant Classification Sherloc (09022015). Collection method: clinical testing. Allele origin: germline.
Comment: In summary, the available evidence is currently insufficient to determine the role of this variant in disease. Therefore, it has been classified as a Variant of Uncertain Significance. Algorithms developed to predict the effect of missense changes on protein structure and function output the following: SIFT: "Tolerated"; PolyPhen-2: "Benign"; Align-GVGD: "Class C0". The glutamic acid amino acid residue is found in multiple mammalian species, suggesting that this missense change does not adversely affect protein function. These predictions have not been confirmed by published functional studies and their clinical significance is uncertain. This variant has not been reported in the literature in individuals with MSH3-related conditions. This variant is present in population databases (rs756088761, ExAC 0.001%). This sequence change replaces lysine with glutamic acid at codon 478 of the MSH3 protein (p.Lys478Glu). The lysine residue is weakly conserved and there is a small physicochemical difference between lysine and glutamic acid.

Ambry Genetics
Classification: Uncertain significance for Hereditary cancer-predisposing syndrome. Last evaluated: 2020-05-22. Review status: criteria provided, single submitter. Criteria: Ambry Variant Classification Scheme 2023. Collection method: clinical testing. Allele origin: germline.
Comment: The p.K478E variant (also known as c.1432A>G), located in coding exon 9 of the MSH3 gene, results from an A to G substitution at nucleotide position 1432. The lysine at codon 478 is replaced by glutamic acid, an amino acid with similar properties. This amino acid position is not well conserved in available vertebrate species. In addition, this alteration is predicted to be tolerated by in silico analysis. Since supporting evidence is limited at this time, the clinical significance of this alteration remains unclear.

NM_002439.5(MSH3):c.1432A>G (p.Lys478Glu)

Gene: MSH3 (mutS homolog 3; plus strand). Cytogenetic location: 5q14.1.
Variant type: single nucleotide variant.
Coding change: c.1432A>G on transcript NM_002439.5 (MANE Select); coding-DNA position 1432, A replaced by G.
Protein change: p.Lys478Glu; replaces lysine 478 with glutamic acid.
Molecular consequence: missense variant.
Genome position (GRCh38, 1-based): chr5:80,725,544, A>G. VCF-style: chr5-80725544-A-G. GRCh37 (hg19) VCF-style: chr5-80021363-A-G.
Other names: short protein forms K478E.
Identifiers: ClinVar variation 1004988 (VCV001004988.11), dbSNP rs756088761, ClinGen allele CA3327907.